The following is an entry in ClinVar:

NM_013335.4(GMPPA):c.486C>G (p.His162Gln)

Genes: ASIC4-AS1 (ASIC4 antisense RNA 1; minus strand), GMPPA (GDP-mannose pyrophosphorylase A; plus strand). Cytogenetic location: 2q35.
Variant type: single nucleotide variant.
Coding change: c.486C>G on transcript NM_013335.4 (MANE Select); coding-DNA position 486, C replaced by G.
Protein change: p.His162Gln; replaces histidine 162 with glutamine.
Molecular consequence: missense variant.
Genome position (GRCh38, 1-based): chr2:219,502,438, C>G. VCF-style: chr2-219502438-C-G. GRCh37 (hg19) VCF-style: chr2-220367160-C-G.
Other names: c.486C>G, p.His162Gln (NM_205847.3); short protein forms H162Q.
Identifiers: ClinVar variation 287078 (VCV000287078.18), dbSNP rs36029384, ClinGen allele CA2128181.
Genomic context (GRCh38, chr2:219,502,438, plus strand): 5'-TCAGGCTAACAGGACGCAATCCCTCAACTACGGCTGCATCGTTGAGAATCCACAGACACA[C>G]GAGGTGAGAGCAGAGTGGGGGCTGGGTGGGTGCCTACTCTGTGTCATCATCCCCTCTACC-3'
Protein context (NP_037467.2, residues 152-172): YGCIVENPQT[His162Gln]EVLHYVEKPS

ClinVar aggregate classification (germline): Conflicting classifications of pathogenicity. Review status: criteria provided, conflicting classifications (1 of 4 stars). 5 submissions from 5 submitters: Uncertain significance (2); Likely benign (2). 1 of the submissions does not count toward it. Last evaluated 2025-10-21.

Conditions:
Inborn genetic diseases. Identifiers: MedGen C0950123, MeSH D030342.
Alacrima, achalasia, and impaired intellectual development syndrome. Also called: Alacrima, achalasia, and intellectual disability syndrome; Alacrima, achalasia, and mental retardation syndrome. Identifiers: Orphanet 869, MedGen C4706563, MONDO:0014219, OMIM 615510.
GMPPA-related disorder. Also called: GMPPA-related condition.

Allele frequency attached by ClinVar (database versions not stated): 1000 Genomes Project 0.00180; TOPMed 0.00267; 1000 Genomes Project 30x 0.00156; ESP Exome Variant Server 0.00254.
gnomAD v4.1: 658 of 1,613,276 alleles (0.041%); highest among the groups gnomAD compares: African/African-American, 0.76%; 2 homozygotes.

Submissions (5):

Labcorp Genetics (formerly Invitae), Labcorp
Classification: Likely benign for Alacrima, achalasia, and impaired intellectual development syndrome. Last evaluated: 2025-10-21. Review status: criteria provided, single submitter. Criteria: Invitae Variant Classification Sherloc (09022015). Collection method: clinical testing. Allele origin: germline.

Ambry Genetics
Classification: Likely benign for Inborn genetic diseases. Last evaluated: 2025-04-16. Review status: criteria provided, single submitter. Criteria: Ambry Variant Classification Scheme 2023. Collection method: clinical testing. Allele origin: germline.

Women's Health and Genetics/Laboratory Corporation of America, LabCorp
Classification: Uncertain significance. Last evaluated: 2023-06-07. Review status: criteria provided, single submitter. Criteria: LabCorp Variant Classification Summary - May 2015. Collection method: clinical testing. Allele origin: germline.
Comment: Variant summary: GMPPA c.486C>G (p.His162Gln) results in a non-conservative amino acid change located in the Nucleotidyl transferase domain (IPR005835) of the encoded protein sequence. Three of five in-silico tools predict a benign effect of the variant on protein function. The variant allele was found at a frequency of 0.00059 in 251038 control chromosomes. To our knowledge, no occurrence of c.486C>G in individuals affected with Alacrima, Achalasia, And Intellectual Disability Syndrome and no experimental evidence demonstrating its impact on protein function have been reported. Two clinical diagnostic laboratories have submitted clinical-significance assessments for this variant to ClinVar after 2014 without evidence for independent evaluation. One laboratory classified the variant as likely benign, and one laboratory classified the variant as uncertain significance. Based on the evidence outlined above, the variant was classified as uncertain significance.

Eurofins Ntd Llc (ga)
Classification: Uncertain significance. Last evaluated: 2016-03-25. Review status: criteria provided, single submitter. Criteria: EGL Classification Definitions 2015. Collection method: clinical testing. Allele origin: germline. Observed: 1 variant allele, 1 heterozygote.

PreventionGenetics, part of Exact Sciences
Classification: Benign for GMPPA-related condition. Last evaluated: 2019-11-21. Review status: no assertion criteria provided. Collection method: clinical testing. Allele origin: germline. Not counted in ClinVar's aggregate classification.
Comment: This variant is classified as benign based on ACMG/AMP sequence variant interpretation guidelines (Richards et al. 2015 PMID: 25741868, with internal and published modifications).